The following is an entry in ClinVar:

NM_004946.3(DOCK2):c.127+3131T>G

Gene: DOCK2 (dedicator of cytokinesis 2; plus strand). Cytogenetic location: 5q35.1.
Variant type: single nucleotide variant.
Coding change: c.127+3131T>G on transcript NM_004946.3 (MANE Select); 3131 bases into the intron after coding-DNA position 127, T replaced by G.
Molecular consequence: intron variant.
Genome position (GRCh38, 1-based): chr5:169,657,617, T>G. VCF-style: chr5-169657617-T-G. GRCh37 (hg19) VCF-style: chr5-169084621-T-G.
Identifiers: ClinVar variation 3901960 (VCV003901960.1).

ClinVar aggregate classification (germline): Uncertain significance (1 of 4 stars; one submission).

Conditions:
DOCK2 deficiency. Also called: Immunodeficiency 40. Identifiers: Orphanet 447737, MedGen C4225328, MONDO:0014637, OMIM 616433.

Submission:

Laboratorio de Genetica e Diagnostico Molecular, Hospital Israelita Albert Einstein
Classification: Uncertain significance for DOCK2 deficiency. Last evaluated: 2023-10-05. Review status: criteria provided, single submitter. Criteria: ACMG Guidelines, 2015. Collection method: clinical testing. Allele origin: germline. Affected: yes.
Comment: ACMG classification criteria: PM2 moderate